The following is an entry in ClinVar:

NM_001127453.2(GSDME):c.619G>A (p.Val207Met)

Gene: GSDME (gasdermin E; minus strand). Cytogenetic location: 7p15.3.
Variant type: single nucleotide variant.
Coding change: c.619G>A on transcript NM_001127453.2 (MANE Select); coding-DNA position 619, G replaced by A.
Protein change: p.Val207Met; replaces valine 207 with methionine.
Molecular consequence: missense variant.
Genome position (GRCh38, 1-based): chr7:24,717,332, C>T on the plus strand (G>A on the coding strand, the complement: GSDME is on the minus strand). VCF-style: chr7-24717332-C-T. GRCh37 (hg19) VCF-style: chr7-24756951-C-T.
Other names: c.127G>A, p.Val43Met (NM_001127454.2); c.619G>A, p.Val207Met (NM_004403.3); short protein forms V207M, V43M.
Identifiers: ClinVar variation 44847 (VCV000044847.16), dbSNP rs12540919, ClinGen allele CA135169.

ClinVar aggregate classification (germline): Benign. Review status: criteria provided, multiple submitters, no conflicts (2 of 4 stars). 5 submissions from 5 submitters: Benign (5). Last evaluated 2026-02-03.

Conditions:
Autosomal dominant nonsyndromic hearing loss 5. Identifiers: Orphanet 90635, MedGen C1832932, MONDO:0010973, OMIM 600994.

Allele frequency attached by ClinVar (database versions not stated): TOPMed 0.07850; gnomAD 0.07873 and 0.08138; 1000 Genomes Project 30x 0.08698; 1000 Genomes Project 0.08986; gnomAD exomes 0.09286 and 0.09742; ExAC 0.09426; ESP Exome Variant Server 0.07827.

Submissions (5):

Labcorp Genetics (formerly Invitae), Labcorp
Classification: Benign. Last evaluated: 2026-02-03. Review status: criteria provided, single submitter. Criteria: Invitae Variant Classification Sherloc (09022015). Collection method: clinical testing. Allele origin: germline.

Mayo Clinic Laboratories, Mayo Clinic
Classification: Benign. Last evaluated: 2020-12-09. Review status: criteria provided, single submitter. Criteria: ACMG Guidelines, 2015. Collection method: clinical testing. Allele origin: germline. Observed: 26 variant alleles.

Illumina Laboratory Services, Illumina
Classification: Benign for Autosomal dominant nonsyndromic hearing loss 5. Last evaluated: 2018-01-13. Review status: criteria provided, single submitter. Criteria: ICSL Variant Classification Criteria 13 December 2019. Collection method: clinical testing. Allele origin: germline.
Comment: This variant was observed in the ICSL laboratory as part of a predisposition screen in an ostensibly healthy population. It had not been previously curated by ICSL or reported in the Human Gene Mutation Database (HGMD: prior to June 1st, 2018), and was therefore a candidate for classification through an automated scoring system. Utilizing variant allele frequency, disease prevalence and penetrance estimates, and inheritance mode, an automated score was calculated to assess if this variant is too frequent to cause the disease. Based on the score and internal cut-off values, a variant classified as benign is not then subjected to further curation. The score for this variant resulted in a classification of benign for this disease.

GeneDx
Classification: Benign. Last evaluated: 2017-05-09. Review status: criteria provided, single submitter. Criteria: GeneDx Variant Classification (06012015). Collection method: clinical testing. Allele origin: germline. Affected: yes.
Comment: This variant is considered likely benign or benign based on one or more of the following criteria: it is a conservative change, it occurs at a poorly conserved position in the protein, it is predicted to be benign by multiple in silico algorithms, and/or has population frequency not consistent with disease.

Laboratory for Molecular Medicine, Mass General Brigham Personalized Medicine
Classification: Benign. Last evaluated: 2012-05-07. Review status: criteria provided, single submitter. Criteria: LMM Criteria. Collection method: clinical testing. Allele origin: germline. Observed: 283 variant alleles.
Comment: Val207Met in Exon 05 of DFNA5: This variant is not expected to have clinical sig nificance because it has been identified in 9.3% (654/7020) of European American chromosomes from a broad population by the NHLBI Exome Sequencing Project (dbSNP rs12540919).